The following is an entry in ClinVar:

ClinVar aggregate classification (germline): Uncertain significance. Review status: criteria provided, multiple submitters, no conflicts (2 of 4 stars). 2 submissions from 2 submitters: Uncertain significance (2). Last evaluated 2024-03-04.

gnomAD v4.1: 52 of 1,614,012 alleles (0.0032%); highest among the groups gnomAD compares: East Asian, 0.0022%; no homozygotes.

Submissions (2):

Labcorp Genetics (formerly Invitae), Labcorp
Classification: Uncertain significance. Last evaluated: 2024-03-04. Review status: criteria provided, single submitter. Criteria: Invitae Variant Classification Sherloc (09022015). Collection method: clinical testing. Allele origin: germline.
Comment: This sequence change replaces isoleucine, which is neutral and non-polar, with threonine, which is neutral and polar, at codon 1565 of the C3 protein (p.Ile1565Thr). This variant is present in population databases (rs764593615, gnomAD 0.09%). This variant has not been reported in the literature in individuals affected with C3-related conditions. Advanced modeling of protein sequence and biophysical properties (such as structural, functional, and spatial information, amino acid conservation, physicochemical variation, residue mobility, and thermodynamic stability) performed at Invitae indicates that this missense variant is expected to disrupt C3 protein function with a positive predictive value of 80%. In summary, the available evidence is currently insufficient to determine the role of this variant in disease. Therefore, it has been classified as a Variant of Uncertain Significance.

Blueprint Genetics
Classification: Uncertain significance. Last evaluated: 2021-12-21. Review status: criteria provided, single submitter. Criteria: ACMG Guidelines, 2015. Collection method: clinical testing. Allele origin: germline.

NM_000064.4(C3):c.4694T>C (p.Ile1565Thr)

Gene: C3 (complement C3; minus strand). Cytogenetic location: 19p13.3.
Variant type: single nucleotide variant.
Coding change: c.4694T>C on transcript NM_000064.4 (MANE Select); coding-DNA position 4694, T replaced by C.
Protein change: p.Ile1565Thr; replaces isoleucine 1565 with threonine.
Molecular consequence: missense variant.
Genome position (GRCh38, 1-based): chr19:6,678,392, A>G on the plus strand (T>C on the coding strand, the complement: C3 is on the minus strand). VCF-style: chr19-6678392-A-G. GRCh37 (hg19) VCF-style: chr19-6678403-A-G.
Other names: short protein forms I1565T.
Identifiers: ClinVar variation 3619238 (VCV003619238.3).